The following is an entry in ClinVar:

ClinVar aggregate classification (germline): Conflicting classifications of pathogenicity. Review status: criteria provided, conflicting classifications (1 of 4 stars). 2 submissions from 2 submitters: Uncertain significance (1); Likely benign (1). Last evaluated 2024-06-28.

Conditions:
Intellectual developmental disorder, X-linked 1. Also called: Atkin Flaitz Patil Smith syndrome; Intellectual disability, X-linked 1; MENTAL RETARDATION, X-LINKED 18; MENTAL RETARDATION, X-LINKED 78. Identifiers: Orphanet 777, MedGen C2931498, MONDO:0010656, OMIM 309530.

Allele frequency attached by ClinVar (database versions not stated): TOPMed below 0.00001; gnomAD 0.00001; gnomAD exomes 0.00003.
gnomAD v4.1: 34 of 1,165,715 alleles (0.0029%); highest among the groups gnomAD compares: Non-Finnish European, 0.0038%; no homozygotes.

Submissions (2):

Labcorp Genetics (formerly Invitae), Labcorp
Classification: Likely benign for Intellectual developmental disorder, X-linked 1. Last evaluated: 2024-06-28. Review status: criteria provided, single submitter. Criteria: Invitae Variant Classification Sherloc (09022015). Collection method: clinical testing. Allele origin: germline.

GeneDx
Classification: Uncertain significance. Last evaluated: 2023-07-28. Review status: criteria provided, single submitter. Criteria: GeneDx Variant Classification Process June 2021. Collection method: clinical testing. Allele origin: germline. Affected: yes.
Comment: Not observed at significant frequency in large population cohorts (gnomAD); In silico analysis supports that this variant does not alter splicing; Has not been previously published as pathogenic or benign to our knowledge

NM_001111125.3(IQSEC2):c.363C>T (p.Gly121=)

Gene: IQSEC2 (IQ motif and Sec7 domain ArfGEF 2; minus strand). Cytogenetic location: Xp11.22.
Variant type: single nucleotide variant.
Coding change: c.363C>T on transcript NM_001111125.3 (MANE Select); coding-DNA position 363, C replaced by T.
Protein change: p.Gly121=; no amino-acid change (glycine 121 retained).
Molecular consequence: synonymous variant.
Genome position (GRCh38, 1-based): chrX:53,320,761, G>A on the plus strand (C>T on the coding strand, the complement: IQSEC2 is on the minus strand). VCF-style: chrX-53320761-G-A. GRCh37 (hg19) VCF-style: chrX-53349959-G-A.
Other names: c.363C>T (NM_001111125.1).
Identifiers: ClinVar variation 1421094 (VCV001421094.9), dbSNP rs1178634147, ClinGen allele CA516687851.